The following is an entry in ClinVar:

NM_012062.5(DNM1L):c.245A>G (p.Glu82Gly)

Gene: DNM1L (dynamin 1 like; plus strand). Cytogenetic location: 12p11.21.
Variant type: single nucleotide variant.
Coding change: c.245A>G on transcript NM_012062.5 (MANE Select); coding-DNA position 245, A replaced by G.
Protein change: p.Glu82Gly; replaces glutamic acid 82 with glycine.
Molecular consequence: missense variant.
Genome position (GRCh38, 1-based): chr12:32,701,557, A>G. VCF-style: chr12-32701557-A-G. GRCh37 (hg19) VCF-style: chr12-32854491-A-G.
Other names: c.245A>G, p.Glu82Gly (NM_001278463.2, NM_001278464.2, NM_001278465.2 and 3 more transcripts); c.40A>G, p.Lys14Glu (NM_001278466.2); short protein forms K14E, E82G.
Identifiers: ClinVar variation 2728406 (VCV002728406.3), dbSNP rs763762352, ClinGen allele CA6507247.
Genomic context (GRCh38, chr12:32,701,557, plus strand): 5'-CTCTCATTCTGCAACTGGTCCATGTTTCACAAGAAGATAAACGGAAAACAACAGGAGAAG[A>G]AAATGGTAAATTTCAGATTTGAGATAATTATTTTACAGCTCTTCATTTTTGATCTATTCT-3'
Protein context (NP_036192.2, residues 72-92): QEDKRKTTGE[Glu82Gly]NGVEAEEWGK

ClinVar aggregate classification (germline): Uncertain significance (1 of 4 stars; one submission).

Allele frequency attached by ClinVar (database versions not stated): gnomAD exomes below 0.00001; TOPMed below 0.00001; ExAC 0.00001.
gnomAD v4.1: 6 of 1,613,318 alleles (0.00037%); highest among the groups gnomAD compares: Admixed American, 0.005%; no homozygotes.

Submission:

Labcorp Genetics (formerly Invitae), Labcorp
Classification: Uncertain significance. Last evaluated: 2023-12-12. Review status: criteria provided, single submitter. Criteria: Invitae Variant Classification Sherloc (09022015). Collection method: clinical testing. Allele origin: germline.
Comment: This sequence change replaces glutamic acid, which is acidic and polar, with glycine, which is neutral and non-polar, at codon 82 of the DNM1L protein (p.Glu82Gly). This variant is present in population databases (rs763762352, gnomAD 0.003%). This variant has not been reported in the literature in individuals affected with DNM1L-related conditions. An algorithm developed to predict the effect of missense changes on protein structure and function (PolyPhen-2) suggests that this variant is likely to be tolerated. In summary, the available evidence is currently insufficient to determine the role of this variant in disease. Therefore, it has been classified as a Variant of Uncertain Significance.